The following is an entry in ClinVar:

NM_002485.5(NBN):c.1981T>C (p.Ser661Pro)

Gene: NBN (nibrin; minus strand). Cytogenetic location: 8q21.3.
Variant type: single nucleotide variant.
Coding change: c.1981T>C on transcript NM_002485.5 (MANE Select); coding-DNA position 1981, T replaced by C.
Protein change: p.Ser661Pro; replaces serine 661 with proline.
Molecular consequence: missense variant.
Genome position (GRCh38, 1-based): chr8:89,946,229, A>G on the plus strand (T>C on the coding strand, the complement: NBN is on the minus strand). VCF-style: chr8-89946229-A-G. GRCh37 (hg19) VCF-style: chr8-90958457-A-G.
Other names: c.1735T>C, p.Ser579Pro (NM_001024688.3, NM_001440379.1, NM_001440380.1); short protein forms S661P, S579P.
Identifiers: ClinVar variation 5025391 (VCV005025391.1).

ClinVar aggregate classification (germline): Uncertain significance (1 of 4 stars; one submission).

Conditions:
Hereditary cancer-predisposing syndrome. Also called: Neoplastic Syndromes, Hereditary; Tumor predisposition; Hereditary neoplastic syndrome; Hereditary Cancer Syndrome. Identifiers: Orphanet 140162, MedGen C0027672, MeSH D009386, MONDO:0015356.

Submission:

Ambry Genetics
Classification: Uncertain significance for Hereditary cancer-predisposing syndrome. Last evaluated: 2026-07-06. Review status: criteria provided, single submitter. Criteria: Ambry Variant Classification Scheme 2023. Collection method: clinical testing. Allele origin: germline.
Comment: The p.S661P variant (also known as c.1981T>C), located in coding exon 13 of the NBN gene, results from a T to C substitution at nucleotide position 1981. The serine at codon 661 is replaced by proline, an amino acid with similar properties. This amino acid position is conserved. In addition, the in silico prediction for this alteration is inconclusive. Based on the available evidence, the clinical significance of this variant remains unclear.